The following is an entry in ClinVar:

NM_001376.5(DYNC1H1):c.53T>C (p.Val18Ala)

Gene: DYNC1H1 (dynein cytoplasmic 1 heavy chain 1; plus strand). Cytogenetic location: 14q32.31.
Variant type: single nucleotide variant.
Coding change: c.53T>C on transcript NM_001376.5 (MANE Select); coding-DNA position 53, T replaced by C.
Protein change: p.Val18Ala; replaces valine 18 with alanine.
Molecular consequence: missense variant.
Genome position (GRCh38, 1-based): chr14:101,964,744, T>C. VCF-style: chr14-101964744-T-C. GRCh37 (hg19) VCF-style: chr14-102431081-T-C.
Other names: short protein forms V18A.
Identifiers: ClinVar variation 1747308 (VCV001747308.3), dbSNP rs1566991030, ClinGen allele CA391003073.
Genomic context (GRCh38, chr14:101,964,744, plus strand): 5'-GCGACACCATGTCGGAGCCCGGGGGCGGCGGCGGCGAGGACGGCTCGGCCGGATTGGAAG[T>C]GTCGGCCGTGCAGAATGTGGCGGACGTGTCGGTGCTGCAGAAGCACCTGCGCAAGCTGGT-3'
Protein context (NP_001367.2, residues 8-28): GGEDGSAGLE[Val18Ala]SAVQNVADVS

ClinVar aggregate classification (germline): Uncertain significance. Review status: criteria provided, multiple submitters, no conflicts (2 of 4 stars). 2 submissions from 2 submitters: Uncertain significance (2). Last evaluated 2022-10-31.

Conditions:
Inborn genetic diseases. Identifiers: MedGen C0950123, MeSH D030342.

Allele frequency attached by ClinVar (database versions not stated): gnomAD exomes below 0.00001.
gnomAD v4.1: 4 of 1,597,048 alleles (0.00025%); highest among the groups gnomAD compares: Non-Finnish European, 0.00034%; no homozygotes.

Submissions (2):

Blueprint Genetics
Classification: Uncertain significance. Last evaluated: 2022-10-31. Review status: criteria provided, single submitter. Criteria: ACMG Guidelines, 2015. Collection method: clinical testing. Allele origin: germline.

Ambry Genetics
Classification: Uncertain significance for Inborn genetic diseases. Last evaluated: 2022-03-01. Review status: criteria provided, single submitter. Criteria: Ambry Variant Classification Scheme 2023. Collection method: clinical testing. Allele origin: germline.
Comment: The p.V18A variant (also known as c.53T>C), located in coding exon 1 of the DYNC1H1 gene, results from a T to C substitution at nucleotide position 53. The valine at codon 18 is replaced by alanine, an amino acid with similar properties. This amino acid position is conserved. In addition, this alteration is predicted to be tolerated by in silico analysis. Since supporting evidence is limited at this time, the clinical significance of this alteration remains unclear.